The following is an entry in ClinVar:

ClinVar aggregate classification (germline): Likely pathogenic (1 of 4 stars; one submission).

Conditions:
Osteogenesis imperfecta type I (OI1). Also called: Lobstein's Disease; Lobstein disease; Classic Non-deforming Osteogenesis Imperfecta with Blue Sclerae; OI, TYPE I; OSTEOGENESIS IMPERFECTA TARDA; OSTEOGENESIS IMPERFECTA WITH BLUE SCLERAE. Identifiers: Orphanet 216796, Orphanet 666, MedGen C0023931, MONDO:0008146, OMIM 166200. Disease mechanism: loss of function.

Submission:

Labcorp Genetics (formerly Invitae), Labcorp
Classification: Likely pathogenic for Osteogenesis imperfecta type I. Last evaluated: 2024-11-06. Review status: criteria provided, single submitter. Criteria: Invitae Variant Classification Sherloc (09022015). Collection method: clinical testing. Allele origin: germline.
Comment: This sequence change replaces glycine, which is neutral and non-polar, with alanine, which is neutral and non-polar, at codon 1145 of the COL1A1 protein (p.Gly1145Ala). This variant is not present in population databases (gnomAD no frequency). This variant has not been reported in the literature in individuals affected with COL1A1-related conditions. Invitae Evidence Modeling of protein sequence and biophysical properties (such as structural, functional, and spatial information, amino acid conservation, physicochemical variation, residue mobility, and thermodynamic stability) indicates that this missense variant is expected to disrupt COL1A1 protein function with a positive predictive value of 95%. This variant disrupts the triple helix domain of COL1A1. Glycine residues within the Gly-Xaa-Yaa repeats of the triple helix domain are required for the structure and stability of fibrillar collagens (PMID: 7695699, 8218237, 19344236). In COL1A1, variants affecting these glycine residues are significantly enriched in individuals with disease (PMID: 9016532, 17078022) compared to the general population (ExAC). In summary, the currently available evidence indicates that the variant is pathogenic, but additional data are needed to prove that conclusively. Therefore, this variant has been classified as Likely Pathogenic.

Literature cited by the submitters: PubMed 7695699; PubMed 8218237; PubMed 19344236; PubMed 9016532; PubMed 17078022.

NM_000088.4(COL1A1):c.3434G>C (p.Gly1145Ala)

Gene: COL1A1 (collagen type I alpha 1 chain; minus strand). Cytogenetic location: 17q21.33.
Variant type: single nucleotide variant.
Coding change: c.3434G>C on transcript NM_000088.4 (MANE Select); coding-DNA position 3434, G replaced by C.
Protein change: p.Gly1145Ala; replaces glycine 1145 with alanine.
Molecular consequence: missense variant.
Genome position (GRCh38, 1-based): chr17:50,187,112, C>G on the plus strand (G>C on the coding strand, the complement: COL1A1 is on the minus strand). VCF-style: chr17-50187112-C-G. GRCh37 (hg19) VCF-style: chr17-48264473-C-G.
Other names: short protein forms G1145A.
Identifiers: ClinVar variation 3634720 (VCV003634720.2).